The following is an entry in ClinVar:

NM_016247.4(IMPG2):c.676G>T (p.Glu226Ter)

Gene: IMPG2 (interphotoreceptor matrix proteoglycan 2; minus strand). Cytogenetic location: 3q12.3.
Variant type: single nucleotide variant.
Coding change: c.676G>T on transcript NM_016247.4 (MANE Select); coding-DNA position 676, G replaced by T.
Protein change: p.Glu226Ter; replaces glutamic acid 226 with a stop codon.
Molecular consequence: nonsense.
Genome position (GRCh38, 1-based): chr3:101,273,733, C>A on the plus strand (G>T on the coding strand, the complement: IMPG2 is on the minus strand). VCF-style: chr3-101273733-C-A. GRCh37 (hg19) VCF-style: chr3-100992577-C-A.
Other names: short protein forms E226*.
Identifiers: ClinVar variation 1275777 (VCV001275777.12), dbSNP rs932467788, ClinGen allele CA79748650.

ClinVar aggregate classification (germline): Pathogenic/Likely pathogenic. Review status: criteria provided, multiple submitters, no conflicts (2 of 4 stars). 4 submissions from 4 submitters: Pathogenic (2); Likely pathogenic (2). Last evaluated 2022-03-10.

Conditions:
IMPG2-related disorders.
Retinal dystrophy. Also called: Inherited retinal dystrophy. Identifiers: Orphanet 71862, MedGen C0854723, MeSH D058499, MONDO:0019118, HP:0000556.

Allele frequency attached by ClinVar (database versions not stated): gnomAD exomes below 0.00001; gnomAD 0.00001; TOPMed 0.00001.
gnomAD v4.1: 7 of 1,613,814 alleles (0.00043%); highest among the groups gnomAD compares: Non-Finnish European, 0.00059%; no homozygotes.

Submissions (4):

Labcorp Genetics (formerly Invitae), Labcorp
Classification: Pathogenic. Last evaluated: 2022-03-10. Review status: criteria provided, single submitter. Criteria: Invitae Variant Classification Sherloc (09022015). Collection method: clinical testing. Allele origin: germline.
Comment: For these reasons, this variant has been classified as Pathogenic. ClinVar contains an entry for this variant (Variation ID: 1275777). This premature translational stop signal has been observed in individual(s) with vitelliform macular dystrophy (PMID: 28644393). This variant is not present in population databases (gnomAD no frequency). This sequence change creates a premature translational stop signal (p.Glu226*) in the IMPG2 gene. It is expected to result in an absent or disrupted protein product. Loss-of-function variants in IMPG2 are known to be pathogenic (PMID: 20673862).

Institute of Medical Genetics and Applied Genomics, University Hospital Tübingen
Classification: Pathogenic. Last evaluated: 2021-09-15. Review status: criteria provided, single submitter. Criteria: ACMG Guidelines, 2015. Collection method: clinical testing. Allele origin: germline. Inheritance: Autosomal dominant inheritance. Affected: yes.

Blueprint Genetics
Classification: Likely pathogenic for IMPG2-related disorders. Last evaluated: 2019-09-19. Review status: criteria provided, single submitter. Criteria: ACMG Guidelines, 2015. Collection method: clinical testing. Allele origin: germline. Affected: yes. Observed: 2 variant alleles.

Institute of Human Genetics, Univ. Regensburg, Univ. Regensburg
Classification: Likely pathogenic for Retinal dystrophy. Last evaluated: 2017-01-01. Review status: criteria provided, single submitter. Criteria: ACMG Guidelines, 2015. Collection method: clinical testing. Allele origin: germline. Affected: yes.

Literature cited by the submitters: PubMed 28644393 (cited by Labcorp Genetics (formerly Invitae), Labcorp and Institute of Human Genetics, Univ. Regensburg, Univ. Regensburg); PubMed 20673862 (cited by Labcorp Genetics (formerly Invitae), Labcorp).